The following is an entry in ClinVar:

NM_004046.6(ATP5F1A):c.991_992delinsAT (p.Pro331Ile)

Gene: ATP5F1A (ATP synthase F1 subunit alpha; minus strand). Cytogenetic location: 18q21.1.
Variant type: Indel.
Coding change: c.991_992delinsAT on transcript NM_004046.6 (MANE Select); coding-DNA positions 991 to 992, CC replaced by AT.
Protein change: p.Pro331Ile; replaces proline 331 with isoleucine.
Molecular consequence: missense variant.
Genome position (GRCh38, 1-based): chr18:46,087,192-46,087,193, GG replaced by AT on the plus strand (CC replaced by AT on the coding strand, the reverse complement: ATP5F1A is on the minus strand). VCF-style: chr18-46087192-GG-AT. GRCh37 (hg19) VCF-style: chr18-43667158-GG-AT.
Other names: c.841_842delinsAT, p.Pro281Ile (NM_001001935.3, NM_001257335.2); c.991_992delinsAT, p.Pro331Ile (NM_001001937.2); c.925_926delinsAT, p.Pro309Ile (NM_001257334.2); short protein forms P281I, P309I, P331I.
Identifiers: ClinVar variation 5005886 (VCV005005886.2).

ClinVar aggregate classification (germline): Uncertain significance (1 of 4 stars; one submission).

Conditions:
Mitochondrial complex V (ATP synthase) deficiency, nuclear type 4A (MC5DN4A). Identifiers: MedGen C5830480, MONDO:0957254, OMIM 620358.
Mitochondrial complex V (ATP synthase) deficiency, nuclear type 4B. Also called: Mitochondrial complex V (ATP synthase) deficiency nuclear type 4. Identifiers: Orphanet 254913, MedGen C3808899, MONDO:0014091, OMIM 615228.
Combined oxidative phosphorylation deficiency 22 (COXPD22). Identifiers: MedGen C4015062, MONDO:0020727, OMIM 616045.

Submission:

Juno Genomics, Hangzhou Juno Genomics, Inc
Classification: Uncertain significance for Mitochondrial complex V (ATP synthase) deficiency, nuclear type 4B; Mitochondrial complex V (ATP synthase) deficiency, nuclear type 4A; Combined oxidative phosphorylation deficiency 22. Review status: criteria provided, single submitter. Criteria: ACMG Guidelines, 2015. Collection method: clinical testing. Allele origin: germline.
Comment: Absent from controls (or at extremely low frequency if recessive) in Genome Aggregation Database.